The following is an entry in ClinVar:

NM_001165963.4(SCN1A):c.3106C>T (p.Gln1036Ter)

Genes: SCN1A (sodium voltage-gated channel alpha subunit 1; minus strand), LOC102724058 (uncharacterized LOC102724058; plus strand). Cytogenetic location: 2q24.3.
Variant type: single nucleotide variant.
Coding change: c.3106C>T on transcript NM_001165963.4 (MANE Select); coding-DNA position 3106, C replaced by T.
Protein change: p.Gln1036Ter; replaces glutamine 1036 with a stop codon.
Molecular consequence: nonsense. On other transcripts: non-coding transcript variant (2).
Genome position (GRCh38, 1-based): chr2:166,036,371, G>A on the plus strand (C>T on the coding strand, the complement: SCN1A is on the minus strand). VCF-style: chr2-166036371-G-A. GRCh37 (hg19) VCF-style: chr2-166892881-G-A.
Other names: c.3022C>T, p.Gln1008Ter (NM_001165964.3, NM_001353957.2, NM_001353958.2); c.3106C>T, p.Gln1036Ter (NM_001202435.3, NM_001353948.2); c.3073C>T, p.Gln1025Ter (NM_001353949.2, NM_001353950.2, NM_001353951.2 and 2 more transcripts); c.3070C>T, p.Gln1024Ter (NM_001353954.2, NM_001353955.2); c.3019C>T, p.Gln1007Ter (NM_001353960.2); c.664C>T, p.Gln222Ter (NM_001353961.2); short protein forms Q1025*, Q1036*, Q1008*, Q222*, Q1024*, Q1007*.
Identifiers: ClinVar variation 189975 (VCV000189975.10), dbSNP rs542420576, ClinGen allele CA303458.
Genomic context (GRCh38, chr2:166,036,371, plus strand): 5'-TGTTTAGATCATCAAGTGGTTTAATTTCATCTAAAATCTTTTGTTTCCTAATGAAGGACT[G>A]TTGAATAAATTCATATATTTTTCTTTTCACATAAGCTACTCCTTTGTGCATCCTATCCAC-3'

ClinVar aggregate classification (germline): Pathogenic. Review status: criteria provided, multiple submitters, no conflicts (2 of 4 stars). 3 submissions from 3 submitters: Pathogenic (3). Last evaluated 2025-04-14.

Conditions:
Early-infantile DEE. Also called: Early infantile epileptic encephalopathy; Early infantile epileptic encephalopathy with suppression bursts; Ohtahara syndrome. Identifiers: Orphanet 1934, MedGen C0393706, MONDO:0800491.
Severe myoclonic epilepsy in infancy (DRVT). Also called: Dravet syndrome; Epileptic encephalopathy, early infantile, 6 (Dravet syndrome); DEVELOPMENTAL AND EPILEPTIC ENCEPHALOPATHY 6A; Severe Myoclonic Epilepsy in Infancy (SMEI); SEVERE MYOCLONIC EPILEPSY OF INFANCY. Identifiers: Orphanet 33069, MedGen C0751122, MONDO:0100135, OMIM 607208.

Submissions (3):

GeneDx
Classification: Pathogenic. Last evaluated: 2025-04-14. Review status: criteria provided, single submitter. Criteria: GeneDx Variant Classification Process June 2021. Collection method: clinical testing. Allele origin: germline.
Comment: Nonsense variant predicted to result in protein truncation or nonsense mediated decay in a gene for which loss of function is a known mechanism of disease; Not observed at significant frequency in large population cohorts (gnomAD); This variant is associated with the following publications: (PMID: 21868258, 28664031, 31440721, 35087721)

Labcorp Genetics (formerly Invitae), Labcorp
Classification: Pathogenic for Early-infantile DEE. Last evaluated: 2023-09-05. Review status: criteria provided, single submitter. Criteria: Invitae Variant Classification Sherloc (09022015). Collection method: clinical testing. Allele origin: germline.
Comment: For these reasons, this variant has been classified as Pathogenic. ClinVar contains an entry for this variant (Variation ID: 189975). This premature translational stop signal has been observed in individual(s) with Dravet syndrome (PMID: 21868258). In at least one individual the variant was observed to be de novo. This variant is not present in population databases (gnomAD no frequency). This sequence change creates a premature translational stop signal (p.Gln1036*) in the SCN1A gene. It is expected to result in an absent or disrupted protein product. Loss-of-function variants in SCN1A are known to be pathogenic (PMID: 17347258, 18930999).

Center for Bioinformatics, Peking University
Classification: Pathogenic for Dravet syndrome. Last evaluated: 2014-12-20. Review status: criteria provided, single submitter. Criteria: Xu et al. (Hum Mutat. 2015). Collection method: research. Allele origin: de novo. Affected: yes. Observed: 1 variant allele. Study: University Clinical Cooperation “985 Project” PKU-2014-1-1.
Comment: Dravet syndrome (DS) probands were recruited from the outpatient and inpatient child neurology units of Peking University First Hospital from 2005 till present. The study was approved by the Ethics Committee of Peking University First Hospital and the Institutional Review Board at Peking University. Participants or their parents provided written informed consent before enrollment. We collected a total of 267 mutations from 255 families with probands diagnosed with DS in China. All probands fulfilled the clinical diagnostic criteria.

Literature cited by the submitters: PubMed 21868258 (cited by Labcorp Genetics (formerly Invitae), Labcorp); PubMed 17347258 (cited by Labcorp Genetics (formerly Invitae), Labcorp); PubMed 18930999 (cited by Labcorp Genetics (formerly Invitae), Labcorp).